The following is an entry in ClinVar:

ClinVar aggregate classification (germline): Uncertain significance. Review status: criteria provided, multiple submitters, no conflicts (2 of 4 stars). 3 submissions from 3 submitters: Uncertain significance (2). 1 of the submissions does not count toward it. Last evaluated 2024-10-31.

Conditions:
Hereditary cancer-predisposing syndrome. Also called: Tumor predisposition; Hereditary Cancer Syndrome; Hereditary neoplastic syndrome; Neoplastic Syndromes, Hereditary. Identifiers: Orphanet 140162, MedGen C0027672, MeSH D009386, MONDO:0015356.
Ataxia-telangiectasia syndrome (AT). Also called: LOUIS-BAR SYNDROME; Cerebello-oculocutaneous telangiectasia; Immunodeficiency with ataxia telangiectasia; ATAXIA-TELANGIECTASIA, COMPLEMENTATION GROUP A; ATAXIA-TELANGIECTASIA, FRESNO VARIANT; Ataxia-telangiectasia. Identifiers: Orphanet 100, MedGen C0004135, MONDO:0008840, OMIM 208900.

Submissions (3):

Ambry Genetics
Classification: Uncertain significance for Hereditary cancer-predisposing syndrome. Last evaluated: 2024-10-31. Review status: criteria provided, single submitter. Criteria: Ambry Variant Classification Scheme 2023. Collection method: clinical testing. Allele origin: germline.
Comment: The p.G1023R variant (also known as c.3067G>A), located in coding exon 19 of the ATM gene, results from a G to A substitution at nucleotide position 3067. The glycine at codon 1023 is replaced by arginine, an amino acid with dissimilar properties. This amino acid position is not well conserved in available vertebrate species. In addition, the in silico prediction for this alteration is inconclusive. Based on the available evidence, the clinical significance of this variant remains unclear.

Labcorp Genetics (formerly Invitae), Labcorp
Classification: Uncertain significance for Ataxia-telangiectasia syndrome. Last evaluated: 2023-04-07. Review status: criteria provided, single submitter. Criteria: Invitae Variant Classification Sherloc (09022015). Collection method: clinical testing. Allele origin: germline.
Comment: This sequence change replaces glycine, which is neutral and non-polar, with arginine, which is basic and polar, at codon 1023 of the ATM protein (p.Gly1023Arg). This variant is not present in population databases (gnomAD no frequency). This variant has not been reported in the literature in individuals affected with ATM-related conditions. ClinVar contains an entry for this variant (Variation ID: 183070). An algorithm developed to predict the effect of missense changes on protein structure and function (PolyPhen-2) suggests that this variant is likely to be disruptive. In summary, the available evidence is currently insufficient to determine the role of this variant in disease. Therefore, it has been classified as a Variant of Uncertain Significance.

Natera, Inc.
Classification: Uncertain significance for Ataxia-telangiectasia. Last evaluated: 2020-12-15. Review status: no assertion criteria provided. Collection method: clinical testing. Allele origin: germline. Not counted in ClinVar's aggregate classification.

NM_000051.4(ATM):c.3067G>A (p.Gly1023Arg)

Gene: ATM (ATM serine/threonine kinase; plus strand). Cytogenetic location: 11q22.3.
Variant type: single nucleotide variant.
Coding change: c.3067G>A on transcript NM_000051.4 (MANE Select); coding-DNA position 3067, G replaced by A.
Protein change: p.Gly1023Arg; replaces glycine 1023 with arginine.
Molecular consequence: missense variant.
Genome position (GRCh38, 1-based): chr11:108,271,396, G>A. VCF-style: chr11-108271396-G-A. GRCh37 (hg19) VCF-style: chr11-108142123-G-A.
Other names: c.3067G>A, p.Gly1023Arg (NM_001351834.2); short protein forms G1023R.
Identifiers: ClinVar variation 183070 (VCV000183070.7), dbSNP rs730882129, ClinGen allele CA333790.